The following is an entry in ClinVar:

ClinVar aggregate classification (germline): Likely benign (1 of 4 stars; one submission).

Allele frequency attached by ClinVar (database versions not stated): ExAC 0.00006; ESP Exome Variant Server 0.00008; TOPMed 0.00012; gnomAD 0.00017; gnomAD exomes 0.00027.
gnomAD v4.1: 425 of 1,612,834 alleles (0.026%); highest among the groups gnomAD compares: Non-Finnish European, 0.034%; no homozygotes.

Submission:

CeGaT Center for Human Genetics Tuebingen
Classification: Likely benign. Last evaluated: 2023-05-01. Review status: criteria provided, single submitter. Criteria: CeGaT Center For Human Genetics Tuebingen Variant Classification Criteria Version 2. Collection method: clinical testing. Allele origin: germline. Affected: yes. Observed: 1 variant allele.
Comment: PLXNB2: BP4, BP7

NM_012401.4(PLXNB2):c.99G>A (p.Glu33=)

Gene: PLXNB2 (plexin B2; minus strand). Cytogenetic location: 22q13.33.
Variant type: single nucleotide variant.
Coding change: c.99G>A on transcript NM_012401.4 (MANE Select); coding-DNA position 99, G replaced by A.
Protein change: p.Glu33=; no amino-acid change (glutamic acid 33 retained).
Molecular consequence: synonymous variant.
Genome position (GRCh38, 1-based): chr22:50,290,486, C>T on the plus strand (G>A on the coding strand, the complement: PLXNB2 is on the minus strand). VCF-style: chr22-50290486-C-T. GRCh37 (hg19) VCF-style: chr22-50728915-C-T.
Other names: c.99G>A, p.Glu33= (NM_001376864.1, NM_001376865.1, NM_001376866.1 and 20 more transcripts).
Identifiers: ClinVar variation 2653380 (VCV002653380.24), dbSNP rs376057912, ClinGen allele CA10313662.